The following is an entry in ClinVar:

ClinVar aggregate classification (germline): Uncertain significance (1 of 4 stars; one submission).

Submission:

GeneDx
Classification: Uncertain significance. Last evaluated: 2022-11-28. Review status: criteria provided, single submitter. Criteria: GeneDx Variant Classification Process June 2021. Collection method: clinical testing. Allele origin: germline. Affected: yes.
Comment: Not observed at significant frequency in large population cohorts (gnomAD); In-frame deletion of 1 amino acids in a non-repeat region; In silico analysis supports a deleterious effect on protein structure/function; Has not been previously published as pathogenic or benign to our knowledge

NM_024496.4(IRF2BPL):c.1177AAG[1] (p.Lys394del)

Gene: IRF2BPL (interferon regulatory factor 2 binding protein like; minus strand). Cytogenetic location: 14q24.3.
Variant type: Microsatellite.
Coding change: c.1177AAG[1] on transcript NM_024496.4 (MANE Select); one copy of the 3-base unit AAG starting at c.1177; the reference has two copies in a row; one copy, 3 bases deleted.
Protein change: p.Lys394del; deletes lysine 394.
Molecular consequence: inframe deletion.
Genome position (GRCh38, 1-based): chr14:77,026,611-77,026,613, CTT deleted on the plus strand (AAG on the coding strand, the reverse complement: IRF2BPL is on the minus strand); deleting any 3 consecutive bases within chr14:77,026,611-77,026,616 gives the same sequence; the position shown is the placement nearest the transcript's 3' end. VCF-style (leftmost placement, unchanged base first): chr14-77026610-CCTT-C. GRCh37 (hg19) VCF-style: chr14-77492953-CCTT-C.
Other names: short protein forms K394del.
Identifiers: ClinVar variation 2503403 (VCV002503403.1), dbSNP rs2503076386, ClinGen allele CA2580613733.